The following is an entry in ClinVar:

NM_170606.3(KMT2C):c.14483G>A (p.Arg4828His)

Gene: KMT2C (lysine methyltransferase 2C; minus strand). Cytogenetic location: 7q36.1.
Variant type: single nucleotide variant.
Coding change: c.14483G>A on transcript NM_170606.3 (MANE Select); coding-DNA position 14483, G replaced by A.
Protein change: p.Arg4828His; replaces arginine 4828 with histidine.
Molecular consequence: missense variant.
Genome position (GRCh38, 1-based): chr7:152,139,237, C>T on the plus strand (G>A on the coding strand, the complement: KMT2C is on the minus strand). VCF-style: chr7-152139237-C-T. GRCh37 (hg19) VCF-style: chr7-151836322-C-T.
Other names: short protein forms R4828H.
Identifiers: ClinVar variation 423282 (VCV000423282.4), dbSNP rs1064796342, ClinGen allele CA16618419.

ClinVar aggregate classification (germline): Uncertain significance. Review status: criteria provided, multiple submitters, no conflicts (2 of 4 stars). 2 submissions from 2 submitters: Uncertain significance (2). Last evaluated 2022-07-08.

Conditions:
Inborn genetic diseases. Identifiers: MedGen C0950123, MeSH D030342.

Allele frequency attached by ClinVar (database versions not stated): gnomAD exomes below 0.00001.
gnomAD v4.1: 4 of 1,613,772 alleles (0.00025%); highest among the groups gnomAD compares: Admixed American, 0.0017%; no homozygotes.

Submissions (2):

Ambry Genetics
Classification: Uncertain significance for Inborn genetic diseases. Last evaluated: 2022-07-08. Review status: criteria provided, single submitter. Criteria: Ambry Variant Classification Scheme 2023. Collection method: clinical testing. Allele origin: germline.

GeneDx
Classification: Uncertain significance. Last evaluated: 2017-02-10. Review status: criteria provided, single submitter. Criteria: GeneDx Variant Classification (06012015). Collection method: clinical testing. Allele origin: germline. Affected: yes.
Comment: The R4828H variant in the KMT2C gene has not been reported previously as a pathogenic variant, nor as a benign variant, to our knowledge. The R4828H variant is not observed in large population cohorts (Lek et al., 2016; 1000 Genomes Consortium et al., 2015; Exome Variant Server). The R4828H variant is a conservative amino acid substitution, which is not likely to impact secondary protein structure as these residues share similar properties. This substitution occurs at a position that is not conserved. In silico analysis predicts this variant is probably damaging to the protein structure/function. We interpret R4828H as a variant of uncertain significance.